The following is an entry in ClinVar:

ClinVar aggregate classification (germline): Pathogenic/Likely pathogenic. Review status: criteria provided, multiple submitters, no conflicts (2 of 4 stars). 6 submissions from 6 submitters: Pathogenic (3); Likely pathogenic (2). 1 of the submissions does not count toward it. Last evaluated 2025-09-24.

Conditions:
LRP5-related disorder. Also called: LRP5-related condition.
Autosomal dominant osteopetrosis 1 (OPTA1). Also called: OSTEOPETROSIS, AUTOSOMAL DOMINANT, TYPE I. Identifiers: Orphanet 2783, MedGen C1843330, MONDO:0011877, OMIM 607634.
Polycystic liver disease 4 with or without kidney cysts. Identifiers: MedGen C4693479, MONDO:0044327, OMIM 617875.
Bone mineral density quantitative trait locus 1 (BMND1). Identifiers: MedGen C1866079, OMIM 601884.
Worth disease. Also called: Autosomal dominant osteosclerosis, Worth type; ENDOSTEAL HYPEROSTOSIS, AUTOSOMAL DOMINANT; OSTEOSCLEROSIS, AUTOSOMAL DOMINANT. Identifiers: Orphanet 2790, MedGen C0432273, MONDO:0007764, OMIM 144750.
Osteoporosis with pseudoglioma (OPPG). Also called: osteoporosis-pseudoglioma syndrome. Identifiers: Orphanet 2788, MedGen C0432252, MONDO:0009820, OMIM 259770.
Exudative vitreoretinopathy 4 (EVR4). Identifiers: Orphanet 891, MedGen C1866176, MONDO:0011151, OMIM 601813.
Exudative vitreoretinopathy 1 (EVR1). Also called: CRISWICK-SCHEPENS SYNDROME; FEVR, AUTOSOMAL DOMINANT; Familial exudative vitreoretinopathy, autosomal dominant. Identifiers: Orphanet 891, Orphanet 90050, MedGen C1851402, MONDO:0007589, OMIM 133780.

Allele frequency attached by ClinVar (database versions not stated): gnomAD exomes below 0.00001.
gnomAD v4.1: 4 of 1,614,228 alleles (0.00025%); highest among the groups gnomAD compares: Admixed American, 0.0017%; no homozygotes.

Submissions (6):

GeneDx
Classification: Pathogenic. Last evaluated: 2025-09-24. Review status: criteria provided, single submitter. Criteria: GeneDx Variant Classification Process June 2021. Collection method: clinical testing. Allele origin: germline. Affected: yes.
Comment: Published functional studies demonstrate a damaging effect: affects Wnt1 signaling (PMID: 17276019); In silico analysis supports that this missense variant has a deleterious effect on protein structure/function; Not observed at significant frequency in large population cohorts (gnomAD); This variant is associated with the following publications: (PMID: 28420620, 11719191, 15143163, 16252235, 31827910, 30452590, 34426522, 16390319, 21528003, 27535533, 38702915, 36987449, 17276019, 35106624, Merkuryeva2023[Case report])

PreventionGenetics, part of Exact Sciences
Classification: Likely pathogenic for LRP5-related condition. Last evaluated: 2025-05-27. Review status: criteria provided, single submitter. Criteria: ACMG Guidelines, 2015. Collection method: clinical testing. Allele origin: germline.
Comment: The LRP5 c.1481G>A variant is predicted to result in the amino acid substitution p.Arg494Gln. This variant was reported in a study of patients with familial exudative vitreoretinopathy (FEVR) and functional studies showed that this variant lead to defective signaling (cited in the abstract of Liu et al. 2017. PubMed ID: 28420620). This variant was also reported in association with osteoporosis-pseudoglioma syndrome and noted to lead to a decrease in Wnt signaling; however, clinical and functional evidence was not provided in these studies to further assess the pathogenicity of this variant (Figure 2A, Gong et al. 2001. PubMed ID: 11719191; Mao et al. 2011. PubMed ID: 21528003). This variant has not been reported in a large population database, indicating this variant is rare. This variant has been interpreted as pathogenic or likely pathogenic by multiple submitters in the ClinVar database. In addition, another variant impacting the same amino acid residue (p.Arg494Trp) has been reported in patients with familial exudative vitreoretinopathy (Table 6, Li et al. 2018. PubMed ID: 30452590; Family No. 12 in Wang et al. 2021. PubMed ID: 34526760). Note the family in Wang et al. had additional variants in LRP5 and KIF11. Based on this evidence, we interpret the c.1481G>A (p.Arg494Gln) variant as likely pathogenic.

Fulgent Genetics
Classification: Likely pathogenic for Worth disease; Osteoporosis with pseudoglioma; Exudative vitreoretinopathy 4; Bone mineral density quantitative trait locus 1; Autosomal dominant osteopetrosis 1; Polycystic liver disease 4 with or without kidney cysts. Last evaluated: 2024-02-05. Review status: criteria provided, single submitter. Criteria: ACMG Guidelines, 2015. Collection method: clinical testing. Allele origin: germline.

Labcorp Genetics (formerly Invitae), Labcorp
Classification: Pathogenic. Last evaluated: 2022-10-03. Review status: criteria provided, single submitter. Criteria: Invitae Variant Classification Sherloc (09022015). Collection method: clinical testing. Allele origin: germline.
Comment: This sequence change replaces arginine, which is basic and polar, with glutamine, which is neutral and polar, at codon 494 of the LRP5 protein (p.Arg494Gln). This variant is not present in population databases (gnomAD no frequency). This missense change has been observed in individuals with autosomal dominant familial exudative vitreoretinopathy and autosomal recessive osteoporosis-pseudoglioma syndrome (PMID: 11719191, 28420620, 35106624). ClinVar contains an entry for this variant (Variation ID: 6274). Advanced modeling of protein sequence and biophysical properties (such as structural, functional, and spatial information, amino acid conservation, physicochemical variation, residue mobility, and thermodynamic stability) performed at Invitae indicates that this missense variant is expected to disrupt LRP5 protein function. Experimental studies have shown that this missense change affects LRP5 function (PMID: 21528003, 28420620). This variant disrupts the p.Arg494 amino acid residue in LRP5. Other variant(s) that disrupt this residue have been determined to be pathogenic (PMID: 30452590; Invitae). This suggests that this residue is clinically significant, and that variants that disrupt this residue are likely to be disease-causing. For these reasons, this variant has been classified as Pathogenic.

Mendelics
Classification: Pathogenic for Exudative vitreoretinopathy 1. Last evaluated: 2022-05-04. Review status: criteria provided, single submitter. Criteria: Mendelics Assertion Criteria 2019. Collection method: clinical testing. Allele origin: germline.

OMIM
Classification: Pathogenic for OSTEOPOROSIS-PSEUDOGLIOMA SYNDROME. Last evaluated: 2001-11-16. Review status: no assertion criteria provided. Collection method: literature only. Allele origin: germline. Not counted in ClinVar's aggregate classification.

Literature cited by the submitters: PubMed 11719191 (cited by Labcorp Genetics (formerly Invitae), Labcorp and OMIM); PubMed 28420620 (cited by Labcorp Genetics (formerly Invitae), Labcorp); PubMed 35106624 (cited by Labcorp Genetics (formerly Invitae), Labcorp); PubMed 21528003 (cited by Labcorp Genetics (formerly Invitae), Labcorp); PubMed 30452590 (cited by Labcorp Genetics (formerly Invitae), Labcorp).

NM_002335.4(LRP5):c.1481G>A (p.Arg494Gln)

Gene: LRP5 (LDL receptor related protein 5; plus strand). Cytogenetic location: 11q13.2.
Variant type: single nucleotide variant.
Coding change: c.1481G>A on transcript NM_002335.4 (MANE Select); coding-DNA position 1481, G replaced by A.
Protein change: p.Arg494Gln; replaces arginine 494 with glutamine.
Molecular consequence: missense variant. On other transcripts: intron variant (1).
Genome position (GRCh38, 1-based): chr11:68,389,949, G>A. VCF-style: chr11-68389949-G-A. GRCh37 (hg19) VCF-style: chr11-68157417-G-A.
Other names: c.-354+3237G>A (NM_001291902.2); c.1481G>A (NM_002335.3); short protein forms R494Q.
Identifiers: ClinVar variation 6274 (VCV000006274.17), dbSNP rs121908664, ClinGen allele CA118089.